The following is an entry in ClinVar:

NM_152383.5(DIS3L2):c.2132T>G (p.Val711Gly)

Gene: DIS3L2 (DIS3 like 3'-5' exoribonuclease 2; plus strand). Cytogenetic location: 2q37.1.
Variant type: single nucleotide variant.
Coding change: c.2132T>G on transcript NM_152383.5 (MANE Select); coding-DNA position 2132, T replaced by G.
Protein change: p.Val711Gly; replaces valine 711 with glycine.
Molecular consequence: missense variant. On other transcripts: non-coding transcript variant (2), intron variant (1).
Genome position (GRCh38, 1-based): chr2:232,333,961, T>G. VCF-style: chr2-232333961-T-G. GRCh37 (hg19) VCF-style: chr2-233198671-T-G.
Other names: c.1582-9384T>G (NM_001257281.2); short protein forms V711G.
Identifiers: ClinVar variation 2105698 (VCV002105698.4), dbSNP rs2469446739, ClinGen allele CA350977547.

ClinVar aggregate classification (germline): Uncertain significance (1 of 4 stars; one submission).

Conditions:
Perlman syndrome (PRLMNS). Identifiers: Orphanet 2849, MedGen C0796113, MONDO:0009965, OMIM 267000.

Submission:

Labcorp Genetics (formerly Invitae), Labcorp
Classification: Uncertain significance for Perlman syndrome. Last evaluated: 2022-03-02. Review status: criteria provided, single submitter. Criteria: Invitae Variant Classification Sherloc (09022015). Collection method: clinical testing. Allele origin: germline.
Comment: In summary, the available evidence is currently insufficient to determine the role of this variant in disease. Therefore, it has been classified as a Variant of Uncertain Significance. Algorithms developed to predict the effect of missense changes on protein structure and function are either unavailable or do not agree on the potential impact of this missense change (SIFT: "Deleterious"; PolyPhen-2: "Probably Damaging"; Align-GVGD: "Class C0"). This variant has not been reported in the literature in individuals affected with DIS3L2-related conditions. This variant is not present in population databases (gnomAD no frequency). This sequence change replaces valine, which is neutral and non-polar, with glycine, which is neutral and non-polar, at codon 711 of the DIS3L2 protein (p.Val711Gly).